The following is an entry in ClinVar:

ClinVar aggregate classification (germline): Pathogenic. Review status: criteria provided, multiple submitters, no conflicts (2 of 4 stars). 4 submissions from 4 submitters: Pathogenic (4). Last evaluated 2026-02-03.
ClinVar aggregate classification (oncogenicity): Likely oncogenic (1 of 4 stars; one submission).

Conditions:
Hereditary cancer-predisposing syndrome. Also called: Hereditary neoplastic syndrome; Tumor predisposition; Neoplastic Syndromes, Hereditary; Hereditary Cancer Syndrome. Identifiers: Orphanet 140162, MedGen C0027672, MeSH D009386, MONDO:0015356.
Peutz-Jeghers syndrome (PJS). Also called: Peutz-Jeghers polyposis; Periorificial lentiginosis syndrome; POLYPOSIS, HAMARTOMATOUS INTESTINAL; POLYPS-AND-SPOTS SYNDROME. Identifiers: Orphanet 2869, MedGen C0031269, MeSH D010580, MONDO:0008280, OMIM 175200.
Neoplasm. Also called: tumor; Neoplasms; Neoplasm (disease). Identifiers: MedGen C0027651, MeSH D009369, MONDO:0005070, HP:0002664.

Submissions (5):

Genetics Laboratory, Great Ormond Street Hospital NHS Foundation Trust, North Thames Genomic Laboratory Hub
Classification: Pathogenic for Peutz Jeghers Syndrome. Last evaluated: 2026-02-03. Review status: criteria provided, single submitter. Criteria: CanVIG Consensus Spec V3.0. Collection method: clinical testing. Allele origin: germline. Affected: yes.
Comment: PM2_moderate, PVS1_very-strong, PP4_supporting

Center for Genomic Medicine, Rigshospitalet, Copenhagen University Hospital
Classification: Likely oncogenic for Neoplasm. Last evaluated: 2025-03-04. Review status: criteria provided, single submitter. Criteria: ClinGen/CGC/VICC Guidelines for Oncogenicity, 2022. Collection method: clinical testing. Allele origin: somatic. Affected: yes.

Genome-Nilou Lab
Classification: Pathogenic for Peutz-Jeghers syndrome. Last evaluated: 2021-07-15. Review status: criteria provided, single submitter. Criteria: ACMG Guidelines, 2015. Collection method: clinical testing. Allele origin: germline. Affected: no.

Labcorp Genetics (formerly Invitae), Labcorp
Classification: Pathogenic for Peutz-Jeghers syndrome. Last evaluated: 2018-08-15. Review status: criteria provided, single submitter. Criteria: Invitae Variant Classification Sherloc (09022015). Collection method: clinical testing. Allele origin: germline.
Comment: Donor and acceptor splice site variants typically lead to a loss of protein function (PMID: 16199547), and loss-of-function variants in STK11 are known to be pathogenic (PMID: 15188174, 16287113). For these reasons, this variant has been classified as Pathogenic. Disruption of this splice site has been observed in individuals affected with Peutz Jeagher syndrome (PMID: 26607058). ClinVar contains an entry for this variant (Variation ID: 428756). This sequence change affects a donor splice site in intron 6 of the STK11 gene. It is expected to disrupt RNA splicing and likely results in an absent or disrupted protein product. This variant is not present in population databases (ExAC no frequency).

Ambry Genetics
Classification: Pathogenic for Hereditary cancer-predisposing syndrome. Last evaluated: 2013-01-09. Review status: criteria provided, single submitter. Criteria: Ambry Autosomal Dominant and X-Linked criteria (10/2015). Collection method: clinical testing. Allele origin: germline. Observed: 1 variant allele.
Comment: Other acmg-defined mutation (i.e. initiation codon or gross deletion)

Literature cited by the submitters: PubMed 16199547 (cited by Labcorp Genetics (formerly Invitae), Labcorp); PubMed 15188174 (cited by Labcorp Genetics (formerly Invitae), Labcorp); PubMed 16287113 (cited by Labcorp Genetics (formerly Invitae), Labcorp); PubMed 26607058 (cited by Labcorp Genetics (formerly Invitae), Labcorp).

NM_000455.5(STK11):c.862+1G>T

Gene: STK11 (serine/threonine kinase 11; plus strand). Cytogenetic location: 19p13.3.
Variant type: single nucleotide variant.
Coding change: c.862+1G>T on transcript NM_000455.5 (MANE Select); the canonical splice donor site of the intron after coding-DNA position 862, G replaced by T.
Molecular consequence: splice donor variant.
Genome position (GRCh38, 1-based): chr19:1,221,341, G>T. VCF-style: chr19-1221341-G-T. GRCh37 (hg19) VCF-style: chr19-1221340-G-T.
Other names: c.862+1G>T (NM_001407255.1).
Identifiers: ClinVar variation 428756 (VCV000428756.15), dbSNP rs1131690921, ClinGen allele CA402950789.
Genomic context (GRCh38, chr19:1,221,341, plus strand): 5'-GGAAGGGGAGCTACGCCATCCCGGGCGACTGTGGCCCCCCGCTCTCTGACCTGCTGAAAG[G>T]TGGGAGCCTCATCCCTCTGCCCGCAGCCCCAGGGAGGCGGGGCTTTTGTGCAGAAATGTA-3'